The following is an entry in ClinVar:

NM_024876.4(COQ8B):c.1077dup (p.Glu360Ter)

Gene: COQ8B (coenzyme Q8B; minus strand). Cytogenetic location: 19q13.2.
Variant type: Duplication.
Coding change: c.1077dup on transcript NM_024876.4 (MANE Select); coding-DNA position 1077, one base duplicated (T; older notation c.1077dupT).
Protein change: p.Glu360Ter; replaces glutamic acid 360 with a stop codon.
Molecular consequence: nonsense.
Genome position (GRCh38, 1-based): chr19:40,700,133, A duplicated on the plus strand (T on the coding strand, the reverse complement: COQ8B is on the minus strand); the first of 3 consecutive A bases (chr19:40,700,133-40,700,135); duplicating any one gives the same sequence. VCF-style (leftmost placement, unchanged base first): chr19-40700132-C-CA. GRCh37 (hg19) VCF-style: chr19-41206037-C-CA.
Other names: c.954dup, p.Glu319Ter (NM_001142555.3); short protein forms E319*, E360*.
Identifiers: ClinVar variation 3710297 (VCV003710297.4).

ClinVar aggregate classification (germline): Pathogenic/Likely pathogenic. Review status: criteria provided, multiple submitters, no conflicts (2 of 4 stars). 2 submissions from 2 submitters: Pathogenic (1); Likely pathogenic (1). Last evaluated 2024-12-13.

Conditions:
Nephrotic syndrome, type 9 (NPHS9). Identifiers: Orphanet 656, MedGen C3809965, MONDO:0014257, OMIM 615573.

Submissions (2):

Labcorp Genetics (formerly Invitae), Labcorp
Classification: Pathogenic. Last evaluated: 2024-12-13. Review status: criteria provided, single submitter. Criteria: Invitae Variant Classification Sherloc (09022015). Collection method: clinical testing. Allele origin: germline.
Comment: This sequence change creates a premature translational stop signal (p.Glu360*) in the COQ8B gene. It is expected to result in an absent or disrupted protein product. Loss-of-function variants in COQ8B are known to be pathogenic (PMID: 24270420). This variant is present in population databases (rs747867828, gnomAD 0.006%). This variant has not been reported in the literature in individuals affected with COQ8B-related conditions. For these reasons, this variant has been classified as Pathogenic.

Juno Genomics, Hangzhou Juno Genomics, Inc
Classification: Likely pathogenic for Nephrotic syndrome, type 9. Review status: criteria provided, single submitter. Criteria: ACMG Guidelines, 2015. Collection method: clinical testing. Allele origin: germline.
Comment: Absent from controls (or at extremely low frequency if recessive) in Genome Aggregation Database.;Null variant in a gene where loss of function (LOF) is a known mechanism of disease.

Literature cited by the submitters: PubMed 24270420 (cited by Labcorp Genetics (formerly Invitae), Labcorp).